The following is an entry in ClinVar:

NM_001243279.3(ACSF3):c.904G>T (p.Glu302Ter)

Gene: ACSF3 (acyl-CoA synthetase family member 3; plus strand). Cytogenetic location: 16q24.3.
Variant type: single nucleotide variant.
Coding change: c.904G>T on transcript NM_001243279.3 (MANE Select); coding-DNA position 904, G replaced by T.
Protein change: p.Glu302Ter; replaces glutamic acid 302 with a stop codon.
Molecular consequence: nonsense. On other transcripts: non-coding transcript variant (3).
Genome position (GRCh38, 1-based): chr16:89,112,173, G>T. VCF-style: chr16-89112173-G-T. GRCh37 (hg19) VCF-style: chr16-89178581-G-T.
Other names: c.109G>T, p.Glu37Ter (NM_001284316.2); c.904G>T, p.Glu302Ter (NM_174917.5, NM_001127214.4); short protein forms E37*, E302*.
Identifiers: ClinVar variation 3021374 (VCV003021374.3), dbSNP rs2543607537, ClinGen allele CA397139251.

ClinVar aggregate classification (germline): Pathogenic (1 of 4 stars; one submission).

Conditions:
Combined malonic and methylmalonic acidemia. Identifiers: Orphanet 289504, MedGen C3280314, MONDO:0013661, OMIM 614265.

Submission:

Labcorp Genetics (formerly Invitae), Labcorp
Classification: Pathogenic for Combined malonic and methylmalonic acidemia. Last evaluated: 2022-12-07. Review status: criteria provided, single submitter. Criteria: Invitae Variant Classification Sherloc (09022015). Collection method: clinical testing. Allele origin: germline.
Comment: For these reasons, this variant has been classified as Pathogenic. This variant has not been reported in the literature in individuals affected with ACSF3-related conditions. This variant is not present in population databases (gnomAD no frequency). This sequence change creates a premature translational stop signal (p.Glu302*) in the ACSF3 gene. It is expected to result in an absent or disrupted protein product. Loss-of-function variants in ACSF3 are known to be pathogenic (PMID: 21841779, 26827111).

Literature cited by the submitters: PubMed 21841779; PubMed 26827111.